The following is an entry in ClinVar:

ClinVar aggregate classification (germline): Uncertain significance (1 of 4 stars; one submission).

gnomAD v4.1: 1 of 1,614,106 alleles (0.000062%); highest among the groups gnomAD compares: Middle Eastern, 0.016%; no homozygotes.

Submission:

CeGaT Center for Human Genetics Tuebingen
Classification: Uncertain significance. Last evaluated: 2026-01-01. Review status: criteria provided, single submitter. Criteria: CeGaT Center For Human Genetics Tuebingen Variant Classification Criteria Version 2. Collection method: clinical testing. Allele origin: germline. Affected: yes. Observed: 1 variant allele.
Comment: EEF2: PM2, PP2, PP3

NM_001961.4(EEF2):c.1185G>A (p.Met395Ile)

Gene: EEF2 (eukaryotic translation elongation factor 2; minus strand). Cytogenetic location: 19p13.3.
Variant type: single nucleotide variant.
Coding change: c.1185G>A on transcript NM_001961.4 (MANE Select); coding-DNA position 1185, G replaced by A.
Protein change: p.Met395Ile; replaces methionine 395 with isoleucine.
Molecular consequence: missense variant.
Genome position (GRCh38, 1-based): chr19:3,980,675, C>T on the plus strand (G>A on the coding strand, the complement: EEF2 is on the minus strand). VCF-style: chr19-3980675-C-T. GRCh37 (hg19) VCF-style: chr19-3980673-C-T.
Other names: short protein forms M395I.
Identifiers: ClinVar variation 4821820 (VCV004821820.4).